The following is an entry in ClinVar:

NM_182641.4(BPTF):c.5455del (p.Thr1819fs)

Gene: BPTF (bromodomain PHD finger transcription factor; plus strand). Cytogenetic location: 17q24.2.
Variant type: Deletion.
Coding change: c.5455del on transcript NM_182641.4 (MANE Select); coding-DNA position 5455, one base deleted (A; older notation c.5455delA).
Protein change: p.Thr1819fs; shifts the reading frame from threonine 1819.
Molecular consequence: frameshift variant.
Genome position (GRCh38, 1-based): chr17:67,920,041, A deleted; the last of 2 consecutive A bases (chr17:67,920,040-67,920,041); deleting either gives the same sequence. VCF-style (leftmost placement, unchanged base first): chr17-67920039-CA-C. GRCh37 (hg19) VCF-style: chr17-65916155-CA-C.
Other names: c.5833del, p.Thr1945fs (NM_004459.7); short protein forms T1819fs, T1945fs.
Identifiers: ClinVar variation 1708241 (VCV001708241.2), dbSNP rs2511711803, ClinGen allele CA2580095003.

ClinVar aggregate classification (germline): Likely pathogenic (1 of 4 stars; one submission).

Conditions:
Neurodevelopmental disorder with dysmorphic facies and distal limb anomalies. Identifiers: Orphanet 686482, MedGen C4540327, MONDO:0060596, OMIM 617755.

Submission:

Genetics Laboratory, UDIAT-Centre Diagnòstic, Hospital Universitari Parc Tauli
Classification: Likely pathogenic for Neurodevelopmental disorder with dysmorphic facies and distal limb anomalies. Last evaluated: 2022-10-04. Review status: criteria provided, single submitter. Criteria: Parc Tauli Hospital Assertion Criteria 2021. Collection method: clinical testing. Allele origin: unknown. Inheritance: Autosomal dominant inheritance. Affected: yes.
Comment: PVS1;PM2_supporting